The following is an entry in ClinVar:

ClinVar aggregate classification (germline): Uncertain significance. Review status: criteria provided, multiple submitters, no conflicts (2 of 4 stars). 3 submissions from 3 submitters: Uncertain significance (3). Last evaluated 2025-10-27.

Conditions:
Fanconi anemia (FA). Also called: Fanconi's anemia. Identifiers: Orphanet 84, MedGen C0015625, MeSH D005199, MONDO:0019391.
Inborn genetic diseases. Identifiers: MedGen C0950123, MeSH D030342.

Submissions (3):

Ambry Genetics
Classification: Uncertain significance for Inborn genetic diseases. Last evaluated: 2025-10-27. Review status: criteria provided, single submitter. Criteria: Ambry Variant Classification Scheme 2023. Collection method: clinical testing. Allele origin: germline.
Comment: The p.A1942S variant (also known as c.5824G>T), located in coding exon 22 of the FANCM gene, results from a G to T substitution at nucleotide position 5824. The alanine at codon 1942 is replaced by serine, an amino acid with similar properties. This amino acid position is conserved. In addition, the in silico prediction for this alteration is inconclusive. Based on the available evidence, the clinical significance of this variant remains unclear.

GeneDx
Classification: Uncertain significance. Last evaluated: 2024-06-11. Review status: criteria provided, single submitter. Criteria: GeneDx Variant Classification Process June 2021. Collection method: clinical testing. Allele origin: germline. Affected: yes.
Comment: Not observed at significant frequency in large population cohorts (gnomAD); In silico analysis supports that this missense variant has a deleterious effect on protein structure/function; Has not been previously published as pathogenic or benign to our knowledge

Labcorp Genetics (formerly Invitae), Labcorp
Classification: Uncertain significance for Fanconi anemia. Last evaluated: 2024-05-29. Review status: criteria provided, single submitter. Criteria: Invitae Variant Classification Sherloc (09022015). Collection method: clinical testing. Allele origin: germline.
Comment: This sequence change replaces alanine, which is neutral and non-polar, with serine, which is neutral and polar, at codon 1942 of the FANCM protein (p.Ala1942Ser). This variant is not present in population databases (gnomAD no frequency). This variant has not been reported in the literature in individuals affected with FANCM-related conditions. ClinVar contains an entry for this variant (Variation ID: 1443677). An algorithm developed to predict the effect of missense changes on protein structure and function (PolyPhen-2) suggests that this variant is likely to be disruptive. In summary, the available evidence is currently insufficient to determine the role of this variant in disease. Therefore, it has been classified as a Variant of Uncertain Significance.

NM_020937.4(FANCM):c.5824G>T (p.Ala1942Ser)

Gene: FANCM (FA complementation group M; plus strand). Cytogenetic location: 14q21.2.
Variant type: single nucleotide variant.
Coding change: c.5824G>T on transcript NM_020937.4 (MANE Select); coding-DNA position 5824, G replaced by T.
Protein change: p.Ala1942Ser; replaces alanine 1942 with serine.
Molecular consequence: missense variant.
Genome position (GRCh38, 1-based): chr14:45,198,751, G>T. VCF-style: chr14-45198751-G-T. GRCh37 (hg19) VCF-style: chr14-45667954-G-T.
Other names: c.5824G>T (NM_020937.2); c.5746G>T, p.Ala1916Ser (NM_001308133.2); short protein forms A1916S, A1942S.
Identifiers: ClinVar variation 1443677 (VCV001443677.8), dbSNP rs759078220, ClinGen allele CA389586946.